The following is an entry in ClinVar:

NM_001256317.3(TMPRSS3):c.205+66G>A

Gene: TMPRSS3 (transmembrane serine protease 3; minus strand). Cytogenetic location: 21q22.3.
Variant type: single nucleotide variant.
Coding change: c.205+66G>A on transcript NM_001256317.3 (MANE Select); 66 bases into the intron after coding-DNA position 205, G replaced by A.
Molecular consequence: intron variant.
Genome position (GRCh38, 1-based): chr21:42,389,861, C>T on the plus strand (G>A on the coding strand, the complement: TMPRSS3 is on the minus strand). VCF-style: chr21-42389861-C-T. GRCh37 (hg19) VCF-style: chr21-43809970-C-T.
Other names: c.205+66G>A (NM_024022.4, NM_032405.2).
Identifiers: ClinVar variation 684088 (VCV000684088.2), dbSNP rs146277759, ClinGen allele CA321553104.
Genomic context (GRCh38, chr21:42,389,861, plus strand): 5'-AGGATGTTTGCCTCCAGTAATTAAGGCTGGGCAGCAGCAAAATGCTGGGATGAGAGGGGG[C>T]GCTCATGAAAGTTTAACTACTTGGCTAGGTATTTGAGATCCTACTAAATAATGAATTGTA-3'

ClinVar aggregate classification (germline): Likely benign. Review status: criteria provided, multiple submitters, no conflicts (2 of 4 stars). 2 submissions from 2 submitters: Likely benign (2). Last evaluated 2018-06-16.

Allele frequency attached by ClinVar (database versions not stated): 1000 Genomes Project 0.00859; 1000 Genomes Project 30x 0.00953; gnomAD 0.01257 and 0.01264; TOPMed 0.01300; ESP Exome Variant Server 0.01402.
gnomAD v4.1: 19,538 of 1,192,864 alleles (1.6%); highest among the groups gnomAD compares: Middle Eastern, 2.3%; 218 homozygotes.

Submissions (2):

GeneDx
Classification: Likely benign. Last evaluated: 2018-06-16. Review status: criteria provided, single submitter. Criteria: GeneDx Variant Classification (06012015). Collection method: clinical testing. Allele origin: germline. Affected: yes.
Comment: This variant is considered likely benign or benign based on one or more of the following criteria: it is a conservative change, it occurs at a poorly conserved position in the protein, it is predicted to be benign by multiple in silico algorithms, and/or has population frequency not consistent with disease.

Breakthrough Genomics
Classification: Likely benign. Review status: criteria provided, single submitter. Criteria: ACMG Guidelines, 2015. Collection method: not provided. Allele origin: germline. Inheritance: Autosomal recessive inheritance. Affected: yes.